The following is an entry in ClinVar:

NM_001718.6(BMP6):c.1107C>T (p.His369=)

Gene: BMP6 (bone morphogenetic protein 6; plus strand). Cytogenetic location: 6p24.3.
Variant type: single nucleotide variant.
Coding change: c.1107C>T on transcript NM_001718.6 (MANE Select); coding-DNA position 1107, C replaced by T.
Protein change: p.His369=; no amino-acid change (histidine 369 retained).
Molecular consequence: synonymous variant.
Genome position (GRCh38, 1-based): chr6:7,862,401, C>T. VCF-style: chr6-7862401-C-T. GRCh37 (hg19) VCF-style: chr6-7862634-C-T.
Identifiers: ClinVar variation 3039734 (VCV003039734.2), dbSNP rs755810484, ClinGen allele CA3628836.

ClinVar aggregate classification (germline): Likely benign (0 of 4 stars; one submission).

Conditions:
BMP6-related disorder. Also called: BMP6-related condition.

Allele frequency attached by ClinVar (database versions not stated): ExAC 0.00002; TOPMed 0.00003.
gnomAD v4.1: 20 of 1,614,086 alleles (0.0012%); highest among the groups gnomAD compares: African/African-American, 0.008%; no homozygotes.

Submission:

PreventionGenetics, part of Exact Sciences
Classification: Likely benign for BMP6-related condition. Last evaluated: 2019-02-20. Review status: no assertion criteria provided. Collection method: clinical testing. Allele origin: germline.
Comment: This variant is classified as likely benign based on ACMG/AMP sequence variant interpretation guidelines (Richards et al. 2015 PMID: 25741868, with internal and published modifications).